The following is an entry in ClinVar:

ClinVar aggregate classification (germline): Likely benign. Review status: criteria provided, multiple submitters, no conflicts (2 of 4 stars). 2 submissions from 2 submitters: Likely benign (2). Last evaluated 2026-01-28.

Allele frequency attached by ClinVar (database versions not stated): gnomAD exomes 0.00006; ExAC 0.00009; gnomAD 0.00009 and 0.00011; TOPMed 0.00015; 1000 Genomes Project 30x 0.00047; 1000 Genomes Project 0.00060.
gnomAD v4.1: 88 of 1,613,706 alleles (0.0055%); highest among the groups gnomAD compares: Admixed American, 0.025%; no homozygotes.

Submissions (2):

Labcorp Genetics (formerly Invitae), Labcorp
Classification: Likely benign. Last evaluated: 2026-01-28. Review status: criteria provided, single submitter. Criteria: Invitae Variant Classification Sherloc (09022015). Collection method: clinical testing. Allele origin: germline.

CeGaT Center for Human Genetics Tuebingen
Classification: Likely benign. Last evaluated: 2023-09-01. Review status: criteria provided, single submitter. Criteria: CeGaT Center For Human Genetics Tuebingen Variant Classification Criteria Version 2. Collection method: clinical testing. Allele origin: germline. Affected: yes. Observed: 1 variant allele.
Comment: CAD: BP4, BP7

NM_004341.5(CAD):c.621T>C (p.His207=)

Gene: CAD (carbamoyl-phosphate synthetase 2, aspartate transcarbamylase, and dihydroorotase; plus strand). Cytogenetic location: 2p23.3.
Variant type: single nucleotide variant.
Coding change: c.621T>C on transcript NM_004341.5 (MANE Select); coding-DNA position 621, T replaced by C.
Protein change: p.His207=; no amino-acid change (histidine 207 retained).
Molecular consequence: synonymous variant.
Genome position (GRCh38, 1-based): chr2:27,222,644, T>C. VCF-style: chr2-27222644-T-C. GRCh37 (hg19) VCF-style: chr2-27445512-T-C.
Other names: c.621T>C, p.His207= (NM_001306079.2).
Identifiers: ClinVar variation 1624539 (VCV001624539.32), dbSNP rs531741869, ClinGen allele CA1572467.
Genomic context (GRCh38, chr2:27,222,644, plus strand): 5'-TAATCAGATCCGATGCCTCTGCCAGCGTGGGGCTGAGGTCACTGTGGTACCCTGGGACCA[T>C]GCACTAGACAGCCAAGGTGAGTAGCTGGGGCCTGTTCAGGGCCTCAGACAAGCAGCTTGG-3'
Protein context (NP_004332.2, residues 197-217): GAEVTVVPWD[His207=]ALDSQEYEGL